The following is an entry in ClinVar:

NM_002294.3(LAMP2):c.520C>T (p.Gln174Ter)

Gene: LAMP2 (lysosome associated membrane protein 2; minus strand). Cytogenetic location: Xq24.
Variant type: single nucleotide variant.
Coding change: c.520C>T on transcript NM_002294.3 (MANE Select); coding-DNA position 520, C replaced by T.
Protein change: p.Gln174Ter; replaces glutamine 174 with a stop codon.
Molecular consequence: nonsense.
Genome position (GRCh38, 1-based): chrX:120,449,006, G>A on the plus strand (C>T on the coding strand, the complement: LAMP2 is on the minus strand). VCF-style: chrX-120449006-G-A. GRCh37 (hg19) VCF-style: chrX-119582861-G-A.
Other names: c.520C>T, p.Gln174Ter (NM_001122606.1, NM_013995.2); short protein forms Q174*.
Identifiers: ClinVar variation 9981 (VCV000009981.14), dbSNP rs104894857, ClinGen allele CA120861.

ClinVar aggregate classification (germline): Pathogenic. Review status: criteria provided, multiple submitters, no conflicts (2 of 4 stars). 4 submissions from 4 submitters: Pathogenic (3). 1 of the submissions does not count toward it. Last evaluated 2025-11-22.

Conditions:
Danon disease. Also called: ANTOPOL DISEASE; PSEUDOGLYCOGENOSIS II; GSD IIb; LYSOSOMAL GLYCOGEN STORAGE DISEASE WITHOUT ACID MALTASE DEFICIENCY; Glycogen Storage Disease Type IIb. Identifiers: Orphanet 34587, MedGen C0878677, MONDO:0010281, OMIM 300257.

Submissions (4):

Labcorp Genetics (formerly Invitae), Labcorp
Classification: Pathogenic for Danon disease. Last evaluated: 2025-11-22. Review status: criteria provided, single submitter. Criteria: Invitae Variant Classification Sherloc (09022015). Collection method: clinical testing. Allele origin: germline.
Comment: This sequence change creates a premature translational stop signal (p.Gln174*) in the LAMP2 gene. It is expected to result in an absent or disrupted protein product. Loss-of-function variants in LAMP2 are known to be pathogenic (PMID: 21415759). This variant is not present in population databases (gnomAD no frequency). This premature translational stop signal has been observed in individual(s) with Danon disease (PMID: 15253947, 27678261). It has also been observed to segregate with disease in related individuals. ClinVar contains an entry for this variant (Variation ID: 9981). Algorithms developed to predict the effect of variants on gene product structure and function are not available or were not evaluated for this variant. Experimental studies have shown that this premature translational stop signal affects LAMP2 function (PMID: 27678261). For these reasons, this variant has been classified as Pathogenic.

GeneDx
Classification: Pathogenic. Last evaluated: 2025-03-21. Review status: criteria provided, single submitter. Criteria: GeneDx Variant Classification Process June 2021. Collection method: clinical testing. Allele origin: germline. Affected: yes.
Comment: Identified in male and female patients with features consistent with LAMP2-related Danon disease (PMID: 27678261, 15253947); Nonsense variant predicted to result in protein truncation or nonsense mediated decay in a gene for which loss of function is a known mechanism of disease; Not observed at significant frequency in large population cohorts (gnomAD); This variant is associated with the following publications: (PMID: 25525159, 15253947, 27678261, 31918855)

3billion
Classification: Pathogenic for Danon disease. Last evaluated: 2024-02-13. Review status: criteria provided, single submitter. Criteria: ACMG Guidelines, 2015. Collection method: clinical testing. Allele origin: germline. Affected: yes.
Comment: The variant is not observed in the gnomAD v2.1.1 dataset. Predicted Consequence/Location: Stop-gained (nonsense): predicted to result in a loss or disruption of normal protein function through nonsense-mediated decay (NMD) or protein truncation. Multiple pathogenic variants are reported downstream of the variant. The variant has been reported at least twice as pathogenic without evidence for the classification (ClinVar ID: VCV000009981 /PMID: 15253947). Therefore, this variant is classified as Pathogenic according to the recommendation of ACMG/AMP guideline.

OMIM
Classification: Pathogenic for DANON DISEASE. Last evaluated: 2004-08-01. Review status: no assertion criteria provided. Collection method: literature only. Allele origin: germline. Not counted in ClinVar's aggregate classification.

Literature cited by the submitters: PubMed 21415759 (cited by Labcorp Genetics (formerly Invitae), Labcorp); PubMed 15253947 (cited by 3 submitters); PubMed 27678261 (cited by Labcorp Genetics (formerly Invitae), Labcorp).